The following is an entry in ClinVar:

NC_000002.11:g.(?_55894977)_(55913599_?)del

Gene: PNPT1 (polyribonucleotide nucleotidyltransferase 1; minus strand). Cytogenetic location: 2p16.1.
Variant type: Deletion.
Identifiers: ClinVar variation 2427121 (VCV002427121.4).

ClinVar aggregate classification (germline): Pathogenic (1 of 4 stars; one submission).

Submission:

Labcorp Genetics (formerly Invitae), Labcorp
Classification: Pathogenic. Last evaluated: 2022-08-22. Review status: criteria provided, single submitter. Criteria: Invitae Variant Classification Sherloc (09022015). Collection method: clinical testing. Allele origin: germline.
Comment: For these reasons, this variant has been classified as Pathogenic. This variant has not been reported in the literature in individuals affected with PNPT1-related conditions. This variant is a gross deletion of the genomic region encompassing exon(s) 3-12 of the PNPT1 gene. This deletion is out-of-frame, and is expected to create a premature termination codon and result in an absent or disrupted protein product. Loss-of-function variants in PNPT1 are known to be pathogenic (PMID: 28594066, 30244537).

Literature cited by the submitters: PubMed 28594066; PubMed 30244537.